The following is an entry in ClinVar:

ClinVar aggregate classification (germline): Uncertain significance (1 of 4 stars; one submission).

Conditions:
Intellectual developmental disorder, autosomal dominant 33. Also called: Intellectual disability, autosomal dominant 33. Identifiers: MedGen C4225375, MONDO:0014580, OMIM 616311.

gnomAD v4.1: 2 of 1,613,898 alleles (0.00012%); highest among the groups gnomAD compares: Non-Finnish European, 0.00017%; no homozygotes.

Submission:

Dasa
Classification: Uncertain significance for Intellectual developmental disorder, autosomal dominant 33. Last evaluated: 2024-12-03. Review status: criteria provided, single submitter. Criteria: DASA Assertion Criteria. Collection method: clinical testing. Allele origin: germline.
Comment: NM_001039350.3(DPP6):c.14C>T (p.Ala5Val) is a missense variant that results in the substitution of alanine with valine. This variant is rare in population databases. Computational prediction algorithms are consistent with a benign effect. The currently available literature and clinical evidence are not sufficient to establish a definitive association between this variant and the reported condition. Therefore, this variant is classified as a variant of uncertain significance.

NM_001039350.3(DPP6):c.14C>T (p.Ala5Val)

Gene: DPP6 (dipeptidyl peptidase like 6; plus strand). Cytogenetic location: 7q36.2.
Variant type: single nucleotide variant.
Coding change: c.14C>T on transcript NM_001039350.3; coding-DNA position 14, C replaced by T.
Protein change: p.Ala5Val; replaces alanine 5 with valine.
Molecular consequence: missense variant. On other transcripts: non-coding transcript variant (1), intron variant (4).
Genome position (GRCh38, 1-based): chr7:153,887,697, C>T. VCF-style: chr7-153887697-C-T. GRCh37 (hg19) VCF-style: chr7-153584782-C-T.
Other names: c.14C>T, p.Ala5Val (NM_001364501.2); c.60+138689C>T (NM_001364500.2, NM_001364499.2, NM_001364497.2 and 1 more transcripts); short protein forms A5V.
Identifiers: ClinVar variation 4881341 (VCV004881341.2).